The following is an entry in ClinVar:

ClinVar aggregate classification (germline): Likely benign (1 of 4 stars; one submission).

Allele frequency attached by ClinVar (database versions not stated): ESP Exome Variant Server 0.00161; 1000 Genomes Project 30x 0.00234; 1000 Genomes Project 0.00240.
gnomAD v4.1: 459 of 1,614,270 alleles (0.028%); highest among the groups gnomAD compares: African/African-American, 0.48%; 5 homozygotes.

Submission:

CeGaT Center for Human Genetics Tuebingen
Classification: Likely benign. Last evaluated: 2023-04-01. Review status: criteria provided, single submitter. Criteria: CeGaT Center For Human Genetics Tuebingen Variant Classification Criteria Version 2. Collection method: clinical testing. Allele origin: germline. Affected: yes. Observed: 1 variant allele.
Comment: LCA5L: BP4, BP7

NM_152505.4(LCA5L):c.1722T>C (p.Tyr574=)

Genes: GET1 (guided entry of tail-anchored proteins factor 1; plus strand), GET1-SH3BGR (GET1-SH3BGR readthrough; plus strand), LCA5L (lebercilin LCA5 like; minus strand). Cytogenetic location: 21q22.2.
Variant type: single nucleotide variant.
Coding change: c.1722T>C on transcript NM_152505.4 (MANE Select); coding-DNA position 1722, T replaced by C.
Protein change: p.Tyr574=; no amino-acid change (tyrosine 574 retained).
Molecular consequence: synonymous variant. On other transcripts: intron variant (2).
Genome position (GRCh38, 1-based): chr21:39,406,173, A>G on the plus strand (T>C on the coding strand, the complement: LCA5L is on the minus strand). VCF-style: chr21-39406173-A-G. GRCh37 (hg19) VCF-style: chr21-40778099-A-G.
Other names: c.1722T>C, p.Tyr574= (NM_001384285.1, NM_001384286.1, NM_001384287.1 and 3 more transcripts); c.1332T>C, p.Tyr444= (NM_001384292.1, NM_001384293.1, NM_001384294.1 and 2 more transcripts); c.336+14337A>G (NM_001317744.2, NM_001350300.2).
Identifiers: ClinVar variation 2652666 (VCV002652666.24), dbSNP rs140223204, ClinGen allele CA10028629.